The following is an entry in ClinVar:

NM_001128178.3(NPHP1):c.526G>C (p.Gly176Arg)

Gene: NPHP1 (nephrocystin 1; minus strand). Cytogenetic location: 2q13.
Variant type: single nucleotide variant.
Coding change: c.526G>C on transcript NM_001128178.3 (MANE Select); coding-DNA position 526, G replaced by C.
Protein change: p.Gly176Arg; replaces glycine 176 with arginine.
Molecular consequence: missense variant.
Genome position (GRCh38, 1-based): chr2:110,168,550, C>G on the plus strand (G>C on the coding strand, the complement: NPHP1 is on the minus strand). VCF-style: chr2-110168550-C-G. GRCh37 (hg19) VCF-style: chr2-110926127-C-G.
Other names: c.526G>C, p.Gly176Arg (NM_000272.5, NM_001374256.1, NM_001374257.1 and 1 more transcripts); c.340G>C, p.Gly114Arg (NM_001128179.3); short protein forms G114R, G176R.
Identifiers: ClinVar variation 2037434 (VCV002037434.4), dbSNP rs1682883462, ClinGen allele CA348092753.
Genomic context (GRCh38, chr2:110,168,550, plus strand): 5'-TGGCATCCTTAGCTATCCACCAACCATCAGGTTTTTTTTCAATTACAAGGAGAATTTCCC[C>G]TTTCTTAAAGCAAAACAAAGTAAACCATTTTAAATAAAATTCAATAATCATGAGTATATG-3'
Protein context (NP_001121650.1, residues 166-186): QQVGDLTFKK[Gly176Arg]EILLVIEKKP

ClinVar aggregate classification (germline): Uncertain significance (1 of 4 stars; one submission).

Conditions:
Nephronophthisis. Also called: Juvenile Nephronophthisis. Identifiers: Orphanet 655, MedGen C0687120, MONDO:0019005, HP:0000090.

Allele frequency attached by ClinVar (database versions not stated): TOPMed below 0.00001.

Submission:

Labcorp Genetics (formerly Invitae), Labcorp
Classification: Uncertain significance for Nephronophthisis. Last evaluated: 2022-03-23. Review status: criteria provided, single submitter. Criteria: Invitae Variant Classification Sherloc (09022015). Collection method: clinical testing. Allele origin: germline.
Comment: In summary, the available evidence is currently insufficient to determine the role of this variant in disease. Therefore, it has been classified as a Variant of Uncertain Significance. Algorithms developed to predict the effect of sequence changes on RNA splicing suggest that this variant may disrupt the consensus splice site. Algorithms developed to predict the effect of missense changes on protein structure and function output the following: SIFT: "Tolerated"; PolyPhen-2: "Benign"; Align-GVGD: "Class C0". The arginine amino acid residue is found in multiple mammalian species, which suggests that this missense change does not adversely affect protein function. This variant has not been reported in the literature in individuals affected with NPHP1-related conditions. This variant is not present in population databases (gnomAD no frequency). This sequence change replaces glycine, which is neutral and non-polar, with arginine, which is basic and polar, at codon 176 of the NPHP1 protein (p.Gly176Arg).